The following is an entry in ClinVar:

ClinVar aggregate classification (germline): Uncertain significance (1 of 4 stars; one submission).

Conditions:
Hereditary cancer-predisposing syndrome. Also called: Neoplastic Syndromes, Hereditary; Tumor predisposition; Hereditary neoplastic syndrome; Hereditary Cancer Syndrome. Identifiers: Orphanet 140162, MedGen C0027672, MeSH D009386, MONDO:0015356.

Submission:

Ambry Genetics
Classification: Uncertain significance for Hereditary cancer-predisposing syndrome. Last evaluated: 2024-02-10. Review status: criteria provided, single submitter. Criteria: Ambry Variant Classification Scheme 2023. Collection method: clinical testing. Allele origin: germline.
Comment: The p.L1315P variant (also known as c.3944T>C), located in coding exon 31 of the POLE gene, results from a T to C substitution at nucleotide position 3944. The leucine at codon 1315 is replaced by proline, an amino acid with similar properties. This amino acid position is conserved. In addition, this alteration is predicted to be deleterious by in silico analysis. Based on the available evidence, the clinical significance of this alteration remains unclear.

NM_006231.4(POLE):c.3944T>C (p.Leu1315Pro)

Gene: POLE (DNA polymerase epsilon, catalytic subunit; minus strand). Cytogenetic location: 12q24.33.
Variant type: single nucleotide variant.
Coding change: c.3944T>C on transcript NM_006231.4 (MANE Select); coding-DNA position 3944, T replaced by C.
Protein change: p.Leu1315Pro; replaces leucine 1315 with proline.
Molecular consequence: missense variant.
Genome position (GRCh38, 1-based): chr12:132,649,367, A>G on the plus strand (T>C on the coding strand, the complement: POLE is on the minus strand). VCF-style: chr12-132649367-A-G. GRCh37 (hg19) VCF-style: chr12-133225953-A-G.
Other names: short protein forms L1315P.
Identifiers: ClinVar variation 3225448 (VCV003225448.1), dbSNP rs2138606482, ClinGen allele CA387384992.